The following is an entry in ClinVar:

NM_001401501.2(MUC16):c.7188C>G (p.Asp2396Glu)

Gene: MUC16 (mucin 16, cell surface associated; minus strand). Cytogenetic location: 19p13.2.
Variant type: single nucleotide variant.
Coding change: c.7188C>G on transcript NM_001401501.2 (MANE Select); coding-DNA position 7188, C replaced by G.
Protein change: p.Asp2396Glu; replaces aspartic acid 2396 with glutamic acid.
Molecular consequence: missense variant.
Genome position (GRCh38, 1-based): chr19:8,974,071, G>C on the plus strand (C>G on the coding strand, the complement: MUC16 is on the minus strand). VCF-style: chr19-8974071-G-C. GRCh37 (hg19) VCF-style: chr19-9084747-G-C.
Other names: c.7614C>G, p.Asp2538Glu (NM_001414686.1); c.7068C>G, p.Asp2356Glu (NM_001414687.1, NM_024690.2); short protein forms D2356E, D2396E, D2538E.
Identifiers: ClinVar variation 781414 (VCV000781414.6), dbSNP rs10416013, ClinGen allele CA9172282.

ClinVar aggregate classification (germline): Benign. Review status: criteria provided, multiple submitters, no conflicts (2 of 4 stars). 3 submissions from 3 submitters: Benign (2). 1 of the submissions does not count toward it. Last evaluated 2018-08-14.

Conditions:
MUC16-related disorder. Also called: MUC16-related condition.

Allele frequency attached by ClinVar (database versions not stated): 1000 Genomes Project 0.02256; ESP Exome Variant Server 0.02331; TOPMed 0.02392; 1000 Genomes Project 30x 0.02436.

Submissions (3):

Labcorp Genetics (formerly Invitae), Labcorp
Classification: Benign. Last evaluated: 2018-08-14. Review status: criteria provided, single submitter. Criteria: Invitae Variant Classification Sherloc (09022015). Collection method: clinical testing. Allele origin: germline.

Breakthrough Genomics
Classification: Benign. Review status: criteria provided, single submitter. Criteria: ACMG Guidelines, 2015. Collection method: not provided. Allele origin: germline. Inheritance: Unknown mechanism. Affected: yes.

PreventionGenetics, part of Exact Sciences
Classification: Benign for MUC16-related condition. Last evaluated: 2019-10-01. Review status: no assertion criteria provided. Collection method: clinical testing. Allele origin: germline. Not counted in ClinVar's aggregate classification.
Comment: This variant is classified as benign based on ACMG/AMP sequence variant interpretation guidelines (Richards et al. 2015 PMID: 25741868, with internal and published modifications).